The following is an entry in ClinVar:

ClinVar aggregate classification (germline): Uncertain significance (1 of 4 stars; one submission).

Submission:

GeneDx
Classification: Uncertain significance. Last evaluated: 2024-07-11. Review status: criteria provided, single submitter. Criteria: GeneDx Variant Classification Process June 2021. Collection method: clinical testing. Allele origin: germline. Affected: yes.
Comment: Not observed at significant frequency in large population cohorts (gnomAD); In silico analysis supports that this missense variant has a deleterious effect on protein structure/function; Has not been previously published as pathogenic or benign to our knowledge; This substitution is predicted to be within the cytoplasmic loop between the first and second homologous domains

NM_001165963.4(SCN1A):c.1297A>C (p.Thr433Pro)

Gene: SCN1A (sodium voltage-gated channel alpha subunit 1; minus strand). Cytogenetic location: 2q24.3.
Variant type: single nucleotide variant.
Coding change: c.1297A>C on transcript NM_001165963.4 (MANE Select); coding-DNA position 1297, A replaced by C.
Protein change: p.Thr433Pro; replaces threonine 433 with proline.
Molecular consequence: missense variant. On other transcripts: 5 prime UTR variant (1), non-coding transcript variant (1).
Genome position (GRCh38, 1-based): chr2:166,046,850, T>G on the plus strand (A>C on the coding strand, the complement: SCN1A is on the minus strand). VCF-style: chr2-166046850-T-G. GRCh37 (hg19) VCF-style: chr2-166903360-T-G.
Other names: c.1297A>C, p.Thr433Pro (NM_001165964.3, NM_001202435.3, NM_001353948.2 and 10 more transcripts); c.-1129A>C (NM_001353961.2); short protein forms T433P.
Identifiers: ClinVar variation 3572529 (VCV003572529.1).